The following is an entry in ClinVar:

ClinVar aggregate classification (germline): Uncertain significance (1 of 4 stars; one submission).

Allele frequency attached by ClinVar (database versions not stated): gnomAD exomes below 0.00001.
gnomAD v4.1: 3 of 1,551,796 alleles (0.00019%); highest among the groups gnomAD compares: Non-Finnish European, 0.00026%; no homozygotes.

Submission:

Laboratory for Molecular Medicine, Mass General Brigham Personalized Medicine
Classification: Uncertain significance. Last evaluated: 2014-09-05. Review status: criteria provided, single submitter. Criteria: LMM Criteria. Collection method: clinical testing. Allele origin: germline. Observed: 1 variant allele.
Comment: The His397Pro variant in RBM20 has not been previously reported in individuals w ith cardiomyopathy or in large population studies. Computational prediction tool s and conservation analysis suggest that the His397Pro variant may not impact th e protein, though this information is not predictive enough to rule out pathogen icity. In summary, the clinical significance of the His397Pro variant is uncerta in.

NM_001134363.3(RBM20):c.1190A>C (p.His397Pro)

Gene: RBM20 (RNA binding motif protein 20; plus strand). Cytogenetic location: 10q25.2.
Variant type: single nucleotide variant.
Coding change: c.1190A>C on transcript NM_001134363.3 (MANE Select); coding-DNA position 1190, A replaced by C.
Protein change: p.His397Pro; replaces histidine 397 with proline.
Molecular consequence: missense variant.
Genome position (GRCh38, 1-based): chr10:110,781,799, A>C. VCF-style: chr10-110781799-A-C. GRCh37 (hg19) VCF-style: chr10-112541557-A-C.
Other names: short protein forms H397P.
Identifiers: ClinVar variation 179984 (VCV000179984.5), dbSNP rs727505262, ClinGen allele CA185576.